The following is an entry in ClinVar:

NM_078480.3(PUF60):c.1029G>A (p.Ala343=)

Gene: PUF60 (poly(U) binding splicing factor 60; minus strand). Cytogenetic location: 8q24.3.
Variant type: single nucleotide variant.
Coding change: c.1029G>A on transcript NM_078480.3 (MANE Select); coding-DNA position 1029, G replaced by A.
Protein change: p.Ala343=; no amino-acid change (alanine 343 retained).
Molecular consequence: synonymous variant.
Genome position (GRCh38, 1-based): chr8:143,817,446, C>T on the plus strand (G>A on the coding strand, the complement: PUF60 is on the minus strand). VCF-style: chr8-143817446-C-T. GRCh37 (hg19) VCF-style: chr8-144899616-C-T.
Other names: c.1140G>A, p.Ala380= (NM_001362896.2, NM_001362895.2); c.1089G>A, p.Ala363= (NM_001362897.2); c.978G>A, p.Ala326= (NM_014281.5); c.900G>A, p.Ala300= (NM_001136033.3); c.975G>A, p.Ala325= (NM_001271096.2); c.891G>A, p.Ala297= (NM_001271097.2); c.1026G>A, p.Ala342= (NM_001271098.2); c.942G>A, p.Ala314= (NM_001271099.2); and 1 more.
Identifiers: ClinVar variation 2658918 (VCV002658918.24), dbSNP rs368804058, ClinGen allele CA187616093.

ClinVar aggregate classification (germline): Likely benign (1 of 4 stars; one submission).

Allele frequency attached by ClinVar (database versions not stated): gnomAD exomes 0.00007; gnomAD 0.00009; TOPMed 0.00012; ExAC 0.00013; ESP Exome Variant Server 0.00023.
gnomAD v4.1: 118 of 1,608,114 alleles (0.0073%); highest among the groups gnomAD compares: Middle Eastern, 0.016%; no homozygotes.

Submission:

CeGaT Center for Human Genetics Tuebingen
Classification: Likely benign. Last evaluated: 2022-06-01. Review status: criteria provided, single submitter. Criteria: CeGaT Center For Human Genetics Tuebingen Variant Classification Criteria Version 2. Collection method: clinical testing. Allele origin: germline. Affected: yes. Observed: 1 variant allele.
Comment: PUF60: BP4, BP7